The following is an entry in ClinVar:

NM_033380.3(COL4A5):c.4360G>C (p.Gly1454Arg)

Gene: COL4A5 (collagen type IV alpha 5 chain; plus strand). Cytogenetic location: Xq22.3.
Variant type: single nucleotide variant.
Coding change: c.4360G>C on transcript NM_033380.3 (MANE Select); coding-DNA position 4360, G replaced by C.
Protein change: p.Gly1454Arg; replaces glycine 1454 with arginine.
Molecular consequence: missense variant.
Genome position (GRCh38, 1-based): chrX:108,687,526, G>C. VCF-style: chrX-108687526-G-C. GRCh37 (hg19) VCF-style: chrX-107930756-G-C.
Other names: c.4342G>C, p.Gly1448Arg (NM_000495.5); short protein forms G1448R, G1454R.
Identifiers: ClinVar variation 2737353 (VCV002737353.3), dbSNP rs104886279, ClinGen allele CA413854059.

ClinVar aggregate classification (germline): Pathogenic (1 of 4 stars; one submission).

Submission:

Labcorp Genetics (formerly Invitae), Labcorp
Classification: Pathogenic. Last evaluated: 2025-08-21. Review status: criteria provided, single submitter. Criteria: Invitae Variant Classification Sherloc (09022015). Collection method: clinical testing. Allele origin: germline.
Comment: This sequence change replaces glycine, which is neutral and non-polar, with arginine, which is basic and polar, at codon 1448 of the COL4A5 protein (p.Gly1448Arg). This variant is not present in population databases (gnomAD no frequency). This missense change has been observed in individuals with Alport syndrome (PMID: 25307721, 35020912). ClinVar contains an entry for this variant (Variation ID: 2737353). Invitae Evidence Modeling of protein sequence and biophysical properties (such as structural, functional, and spatial information, amino acid conservation, physicochemical variation, residue mobility, and thermodynamic stability) indicates that this missense variant is expected to disrupt COL4A5 protein function with a positive predictive value of 95%. This variant disrupts the triple helix domain of COL4A5. Glycine residues within the Gly-Xaa-Yaa repeats of the triple helix domain are required for the structure and stability of fibrillar collagens (PMID: 7695699, 8218237, 19344236). In COL4A5, missense variants at these glycine residues are significantly enriched in individuals with disease (PMID: 23720012, 27627812) compared to the general population (ExAC). This variant disrupts the p.Gly1448 amino acid residue in COL4A5. Other variant(s) that disrupt this residue have been observed in individuals with COL4A5-related conditions (PMID: 15780079), which suggests that this may be a clinically significant amino acid residue. For these reasons, this variant has been classified as Pathogenic.

Literature cited by the submitters: PubMed 25307721; PubMed 35020912; PubMed 7695699; PubMed 8218237; PubMed 19344236; PubMed 23720012; PubMed 27627812; PubMed 15780079.